The following is an entry in ClinVar:

NM_020937.4(FANCM):c.608G>A (p.Cys203Tyr)

Gene: FANCM (FA complementation group M; plus strand). Cytogenetic location: 14q21.2.
Variant type: single nucleotide variant.
Coding change: c.608G>A on transcript NM_020937.4 (MANE Select); coding-DNA position 608, G replaced by A.
Protein change: p.Cys203Tyr; replaces cysteine 203 with tyrosine.
Molecular consequence: missense variant.
Genome position (GRCh38, 1-based): chr14:45,137,168, G>A. VCF-style: chr14-45137168-G-A. GRCh37 (hg19) VCF-style: chr14-45606371-G-A.
Other names: c.608G>A, p.Cys203Tyr (NM_001308133.2, NM_001308134.2); short protein forms C203Y.
Identifiers: ClinVar variation 4254588 (VCV004254588.1).

ClinVar aggregate classification (germline): Uncertain significance (1 of 4 stars; one submission).

Conditions:
Inborn genetic diseases. Identifiers: MedGen C0950123, MeSH D030342.

Submission:

Ambry Genetics
Classification: Uncertain significance for Inborn genetic diseases. Last evaluated: 2025-07-12. Review status: criteria provided, single submitter. Criteria: Ambry Variant Classification Scheme 2023. Collection method: clinical testing. Allele origin: germline.
Comment: The p.C203Y variant (also known as c.608G>A), located in coding exon 2 of the FANCM gene, results from a G to A substitution at nucleotide position 608. The cysteine at codon 203 is replaced by tyrosine, an amino acid with highly dissimilar properties. This amino acid position is conserved. In addition, this alteration is predicted to be tolerated by in silico analysis. Based on the available evidence, the clinical significance of this variant remains unclear.